The following is an entry in ClinVar:

ClinVar aggregate classification (germline): Uncertain significance (1 of 4 stars; one submission).

Conditions:
Familial cancer of breast. Also called: BREAST CANCER, FAMILIAL; Hereditary breast cancer; hereditary breast carcinoma. Identifiers: Orphanet 227535, MedGen C0346153, MONDO:0016419, OMIM 114480. Disease mechanism: loss of function.

Submission:

Labcorp Genetics (formerly Invitae), Labcorp
Classification: Uncertain significance for Familial cancer of breast. Last evaluated: 2020-07-25. Review status: criteria provided, single submitter. Criteria: Invitae Variant Classification Sherloc (09022015). Collection method: clinical testing. Allele origin: germline.
Comment: In summary, the available evidence is currently insufficient to determine the role of this variant in disease. Therefore, it has been classified as a Variant of Uncertain Significance. Algorithms developed to predict the effect of missense changes on protein structure and function are either unavailable or do not agree on the potential impact of this missense change (SIFT: "Deleterious"; PolyPhen-2: "Possibly Damaging"; Align-GVGD: "Class C15"). This variant has not been reported in the literature in individuals with PALB2-related conditions. This variant is not present in population databases (ExAC no frequency). This sequence change replaces serine with tyrosine at codon 328 of the PALB2 protein (p.Ser328Tyr). The serine residue is highly conserved and there is a large physicochemical difference between serine and tyrosine.

NM_024675.4(PALB2):c.983C>A (p.Ser328Tyr)

Gene: PALB2 (partner and localizer of BRCA2; minus strand). Cytogenetic location: 16p12.2.
Variant type: single nucleotide variant.
Coding change: c.983C>A on transcript NM_024675.4 (MANE Select); coding-DNA position 983, C replaced by A.
Protein change: p.Ser328Tyr; replaces serine 328 with tyrosine.
Molecular consequence: missense variant.
Genome position (GRCh38, 1-based): chr16:23,635,563, G>T on the plus strand (C>A on the coding strand, the complement: PALB2 is on the minus strand). VCF-style: chr16-23635563-G-T. GRCh37 (hg19) VCF-style: chr16-23646884-G-T.
Other names: short protein forms S328Y.
Identifiers: ClinVar variation 1055325 (VCV001055325.10), dbSNP rs1567221893, ClinGen allele CA395134765.
Genomic context (GRCh38, chr16:23,635,563, plus strand): 5'-TGTTCTTTTAAGTTTTGGTTTTCATTTGCTGGTAAGTTATTGTAGGTGAGTTCATTTAGA[G>T]AACATGAAATATTTGCCTCTAAATTAGAACTTGTGGGCAGTTGGCCACTTTTACTTATAG-3'
Protein context (NP_078951.2, residues 318-338): SSNLEANISC[Ser328Tyr]LNELTYNNLP